The following is an entry in ClinVar:

NM_000548.5(TSC2):c.5021C>G (p.Thr1674Ser)

Gene: TSC2 (TSC complex subunit 2; plus strand). Cytogenetic location: 16p13.3.
Variant type: single nucleotide variant.
Coding change: c.5021C>G on transcript NM_000548.5 (MANE Select); coding-DNA position 5021, C replaced by G.
Protein change: p.Thr1674Ser; replaces threonine 1674 with serine.
Molecular consequence: missense variant.
Genome position (GRCh38, 1-based): chr16:2,087,894, C>G. VCF-style: chr16-2087894-C-G. GRCh37 (hg19) VCF-style: chr16-2137895-C-G.
Other names: c.4820C>G, p.Thr1607Ser (NM_001077183.3); c.4952C>G, p.Thr1651Ser (NM_001114382.3); c.4712C>G, p.Thr1571Ser (NM_001318827.2); c.4676C>G, p.Thr1559Ser (NM_001318829.2); c.4289C>G, p.Thr1430Ser (NM_001318831.2); c.4853C>G, p.Thr1618Ser (NM_001318832.2); c.4823C>G, p.Thr1608Ser (NM_001363528.2); c.4889C>G, p.Thr1630Ser (NM_001370404.1); and 2 more; short protein forms T1674S, T1618S, T1630S, T1651S, T1430S, T1559S, T1571S, T1607S.
Identifiers: ClinVar variation 535950 (VCV000535950.11), dbSNP rs1555439727, ClinGen allele CA394311243.
Genomic context (GRCh38, chr16:2,087,894, plus strand): 5'-GGGGATGACCCTTTCTCTTGTCCGGGCAGGGCCAGTTCAACTTTGTCCACGTGATCGTCA[C>G]CCCGCTGGACTACGAGTGCAACCTGGTGTCCCTGCAGTGCAGGAAAGGTAGGGCCGGGTG-3'
Protein context (NP_000539.2, residues 1664-1684): GQFNFVHVIV[Thr1674Ser]PLDYECNLVS

ClinVar aggregate classification (germline): Uncertain significance. Review status: criteria provided, multiple submitters, no conflicts (2 of 4 stars). 3 submissions from 3 submitters: Uncertain significance (3). Last evaluated 2024-02-22.

Conditions:
TSC2-related disorder. Also called: TSC2-Related Disorders; TSC2-related condition.
Hereditary cancer-predisposing syndrome. Also called: Neoplastic Syndromes, Hereditary; Tumor predisposition; Hereditary Cancer Syndrome; Hereditary neoplastic syndrome. Identifiers: Orphanet 140162, MedGen C0027672, MeSH D009386, MONDO:0015356.
Tuberous sclerosis 2 (TSC2). Identifiers: Orphanet 805, MedGen C1860707, MONDO:0013199, OMIM 613254.

Submissions (3):

Labcorp Genetics (formerly Invitae), Labcorp
Classification: Uncertain significance for Tuberous sclerosis 2. Last evaluated: 2024-02-22. Review status: criteria provided, single submitter. Criteria: Invitae Variant Classification Sherloc (09022015). Collection method: clinical testing. Allele origin: germline.
Comment: This sequence change replaces threonine, which is neutral and polar, with serine, which is neutral and polar, at codon 1674 of the TSC2 protein (p.Thr1674Ser). This variant is not present in population databases (gnomAD no frequency). This variant has not been reported in the literature in individuals affected with TSC2-related conditions. ClinVar contains an entry for this variant (Variation ID: 535950). Advanced modeling of protein sequence and biophysical properties (such as structural, functional, and spatial information, amino acid conservation, physicochemical variation, residue mobility, and thermodynamic stability) performed at Invitae indicates that this missense variant is not expected to disrupt TSC2 protein function with a negative predictive value of 95%. In summary, the available evidence is currently insufficient to determine the role of this variant in disease. Therefore, it has been classified as a Variant of Uncertain Significance.

Ambry Genetics
Classification: Uncertain significance for Hereditary cancer-predisposing syndrome. Last evaluated: 2023-07-04. Review status: criteria provided, single submitter. Criteria: Ambry Variant Classification Scheme 2023. Collection method: clinical testing. Allele origin: germline.
Comment: The p.T1674S variant (also known as c.5021C>G), located in coding exon 38 of the TSC2 gene, results from a C to G substitution at nucleotide position 5021. The threonine at codon 1674 is replaced by serine, an amino acid with similar properties. This amino acid position is conserved. In addition, the in silico prediction for this alteration is inconclusive. Since supporting evidence is limited at this time, the clinical significance of this alteration remains unclear.

PreventionGenetics, part of Exact Sciences
Classification: Uncertain significance for TSC2-related condition. Last evaluated: 2023-02-07. Review status: criteria provided, single submitter. Criteria: ACMG Guidelines, 2015. Collection method: clinical testing. Allele origin: germline.
Comment: The TSC2 c.5021C>G variant is predicted to result in the amino acid substitution p.Thr1674Ser. To our knowledge, this variant has not been reported in the literature or in a large population database, indicating this variant is rare. At this time, the clinical significance of this variant is uncertain due to the absence of conclusive functional and genetic evidence.